The following is an entry in ClinVar:

NM_207341.4(ZP1):c.277G>A (p.Val93Ile)

Gene: ZP1 (zona pellucida glycoprotein 1; plus strand). Cytogenetic location: 11q12.2.
Variant type: single nucleotide variant.
Coding change: c.277G>A on transcript NM_207341.4 (MANE Select); coding-DNA position 277, G replaced by A.
Protein change: p.Val93Ile; replaces valine 93 with isoleucine.
Molecular consequence: missense variant.
Genome position (GRCh38, 1-based): chr11:60,869,225, G>A. VCF-style: chr11-60869225-G-A. GRCh37 (hg19) VCF-style: chr11-60636698-G-A.
Other names: short protein forms V93I.
Identifiers: ClinVar variation 2578658 (VCV002578658.25), dbSNP rs145067883, ClinGen allele CA6027224.

ClinVar aggregate classification (germline): Likely benign (1 of 4 stars; one submission).

Allele frequency attached by ClinVar (database versions not stated): 1000 Genomes Project 0.00120; 1000 Genomes Project 30x 0.00125; TOPMed 0.00387; ESP Exome Variant Server 0.00461; gnomAD 0.00551; ExAC 0.00586; gnomAD exomes 0.00617.
gnomAD v4.1: 9,761 of 1,614,206 alleles (0.6%); highest among the groups gnomAD compares: Non-Finnish European, 0.64%; 44 homozygotes.

Submission:

CeGaT Center for Human Genetics Tuebingen
Classification: Likely benign. Last evaluated: 2026-01-01. Review status: criteria provided, single submitter. Criteria: CeGaT Center For Human Genetics Tuebingen Variant Classification Criteria Version 2. Collection method: clinical testing. Allele origin: germline. Affected: yes. Observed: 9 variant alleles.
Comment: ZP1: BP4, BS2